The following is an entry in ClinVar:

ClinVar aggregate classification (germline): Pathogenic. Review status: criteria provided, multiple submitters, no conflicts (2 of 4 stars). 4 submissions from 4 submitters: Pathogenic (4). Last evaluated 2025-12-17.

Conditions:
Retinal dystrophy. Also called: Inherited retinal dystrophy. Identifiers: Orphanet 71862, MedGen C0854723, MeSH D058499, MONDO:0019118, HP:0000556.
C1QTNF5-related disorders.

Submissions (4):

Labcorp Genetics (formerly Invitae), Labcorp
Classification: Pathogenic. Last evaluated: 2025-12-17. Review status: criteria provided, single submitter. Criteria: Invitae Variant Classification Sherloc (09022015). Collection method: clinical testing. Allele origin: germline.
Comment: This sequence change replaces serine, which is neutral and polar, with arginine, which is basic and polar, at codon 163 of the C1QTNF5 protein (p.Ser163Arg). This variant is not present in population databases (gnomAD no frequency). This missense change has been observed in individuals with late-onset retinal degeneration (PMID: 12944416, 23289492, 29847639). It has also been observed to segregate with disease in related individuals. ClinVar contains an entry for this variant (Variation ID: 865771). An algorithm developed to predict the effect of missense changes on protein structure and function (PolyPhen-2) suggests that this variant is likely to be disruptive. For these reasons, this variant has been classified as Pathogenic.

Blueprint Genetics
Classification: Pathogenic for C1QTNF5-related disorders. Last evaluated: 2022-04-22. Review status: criteria provided, single submitter. Criteria: ACMG Guidelines, 2015. Collection method: clinical testing. Allele origin: germline. Affected: yes. Observed: 5 variant alleles.

Institute of Human Genetics, Univ. Regensburg, Univ. Regensburg
Classification: Pathogenic for Retinal dystrophy. Last evaluated: 2021-01-01. Review status: criteria provided, single submitter. Criteria: ACMG Guidelines, 2015. Collection method: clinical testing. Allele origin: germline. Affected: yes.

Institute of Medical Genetics and Applied Genomics, University Hospital Tübingen
Classification: Pathogenic. Last evaluated: 2020-10-23. Review status: criteria provided, single submitter. Criteria: ACMG Guidelines, 2015. Collection method: clinical testing. Allele origin: germline. Inheritance: Autosomal dominant inheritance. Affected: yes.

Literature cited by the submitters: PubMed 12944416 (cited by Labcorp Genetics (formerly Invitae), Labcorp); PubMed 23289492 (cited by Labcorp Genetics (formerly Invitae), Labcorp); PubMed 29847639 (cited by Labcorp Genetics (formerly Invitae), Labcorp); PubMed 28939808 (cited by Institute of Human Genetics, Univ. Regensburg, Univ. Regensburg); PubMed 2984763 (cited by Institute of Human Genetics, Univ. Regensburg, Univ. Regensburg).

NM_001278431.2(C1QTNF5):c.489C>A (p.Ser163Arg)

Genes: C1QTNF5 (C1q and TNF related 5; minus strand), MFRP (membrane frizzled-related protein; minus strand). Cytogenetic location: 11q23.3.
Variant type: single nucleotide variant.
Coding change: c.489C>A on transcript NM_001278431.2 (MANE Select); coding-DNA position 489, C replaced by A.
Protein change: p.Ser163Arg; replaces serine 163 with arginine.
Molecular consequence: missense variant. On other transcripts: 3 prime UTR variant (1).
Genome position (GRCh38, 1-based): chr11:119,339,574, G>T on the plus strand (C>A on the coding strand, the complement: C1QTNF5 is on the minus strand). VCF-style: chr11-119339574-G-T. GRCh37 (hg19) VCF-style: chr11-119210284-G-T.
Other names: c.489C>A, p.Ser163Arg (NM_015645.5); c.*1385C>A (NM_031433.4); short protein forms S163R.
Identifiers: ClinVar variation 865771 (VCV000865771.15), dbSNP rs111033578, ClinGen allele CA382968878.